The following is an entry in ClinVar:

NM_001384361.1(PMEL):c.1512C>T (p.Ser504=)

Gene: PMEL (premelanosome protein; minus strand). Cytogenetic location: 12q13.2.
Variant type: single nucleotide variant.
Coding change: c.1512C>T on transcript NM_001384361.1 (MANE Select); coding-DNA position 1512, C replaced by T.
Protein change: p.Ser504=; no amino-acid change (serine 504 retained).
Molecular consequence: synonymous variant.
Genome position (GRCh38, 1-based): chr12:55,955,823, G>A on the plus strand (C>T on the coding strand, the complement: PMEL is on the minus strand). VCF-style: chr12-55955823-G-A. GRCh37 (hg19) VCF-style: chr12-56349607-G-A.
Other names: c.1512C>T, p.Ser504= (NM_006928.5, NM_001200054.1); c.1254C>T, p.Ser418= (NM_001200053.1); c.1386C>T, p.Ser462= (NM_001320121.1, NM_001320122.1).
Identifiers: ClinVar variation 789323 (VCV000789323.5), dbSNP rs377175522, ClinGen allele CA6619957.

ClinVar aggregate classification (germline): Likely benign. Review status: criteria provided, single submitter (1 of 4 stars). 2 submissions from 2 submitters: Likely benign (1). 1 of the submissions does not count toward it. Last evaluated 2018-08-16.

Conditions:
PMEL-related disorder. Also called: PMEL-related condition.

Allele frequency attached by ClinVar (database versions not stated): gnomAD 0.00003; TOPMed 0.00004; gnomAD exomes 0.00010; ExAC 0.00015; ESP Exome Variant Server 0.00023.
gnomAD v4.1: 120 of 1,613,944 alleles (0.0074%); highest among the groups gnomAD compares: Non-Finnish European, 0.0089%; no homozygotes.

Submissions (2):

Labcorp Genetics (formerly Invitae), Labcorp
Classification: Likely benign. Last evaluated: 2018-08-16. Review status: criteria provided, single submitter. Criteria: Invitae Variant Classification Sherloc (09022015). Collection method: clinical testing. Allele origin: germline.

PreventionGenetics, part of Exact Sciences
Classification: Likely benign for PMEL-related condition. Last evaluated: 2023-02-21. Review status: no assertion criteria provided. Collection method: clinical testing. Allele origin: germline. Not counted in ClinVar's aggregate classification.
Comment: This variant is classified as likely benign based on ACMG/AMP sequence variant interpretation guidelines (Richards et al. 2015 PMID: 25741868, with internal and published modifications).